The following is an entry in ClinVar:

ClinVar aggregate classification (germline): Likely benign (1 of 4 stars; one submission).

Conditions:
ESPN-related disorder. Also called: ESPN-related condition.

gnomAD v4.1: 39 of 1,584,756 alleles (0.0025%); highest among the groups gnomAD compares: South Asian, 0.014%; no homozygotes.

Submission:

PreventionGenetics, part of Exact Sciences
Classification: Likely benign for ESPN-related condition. Last evaluated: 2025-11-11. Review status: criteria provided, single submitter. Criteria: ACMG Guidelines, 2015. Collection method: clinical testing. Allele origin: germline.
Comment: This variant is classified as likely benign based on ACMG/AMP sequence variant interpretation guidelines (Richards et al. 2015 PMID: 25741868, with internal and published modifications).

NM_031475.3(ESPN):c.588C>T (p.Gly196=)

Gene: ESPN (espin; plus strand). Cytogenetic location: 1p36.31.
Variant type: single nucleotide variant.
Coding change: c.588C>T on transcript NM_031475.3 (MANE Select); coding-DNA position 588, C replaced by T.
Protein change: p.Gly196=; no amino-acid change (glycine 196 retained).
Molecular consequence: synonymous variant.
Genome position (GRCh38, 1-based): chr1:6,440,353, C>T. VCF-style: chr1-6440353-C-T. GRCh37 (hg19) VCF-style: chr1-6500413-C-T.
Other names: c.588C>T, p.Gly196= (NM_001367473.1, NM_001367474.1).
Identifiers: ClinVar variation 4986382 (VCV004986382.1).